The following is an entry in ClinVar:

NM_032119.4(ADGRV1):c.3855G>A (p.Trp1285Ter)

Gene: ADGRV1 (adhesion G protein-coupled receptor V1; plus strand). Cytogenetic location: 5q14.3.
Variant type: single nucleotide variant.
Coding change: c.3855G>A on transcript NM_032119.4 (MANE Select); coding-DNA position 3855, G replaced by A.
Protein change: p.Trp1285Ter; replaces tryptophan 1285 with a stop codon.
Molecular consequence: nonsense. On other transcripts: non-coding transcript variant (1).
Genome position (GRCh38, 1-based): chr5:90,653,429, G>A. VCF-style: chr5-90653429-G-A. GRCh37 (hg19) VCF-style: chr5-89949246-G-A.
Other names: c.3855G>A (NM_032119.3); short protein forms W1285*.
Identifiers: ClinVar variation 3002657 (VCV003002657.5), dbSNP rs1028784575, ClinGen allele CA121839749.

ClinVar aggregate classification (germline): Pathogenic/Likely pathogenic. Review status: criteria provided, multiple submitters, no conflicts (2 of 4 stars). 3 submissions from 3 submitters: Pathogenic (2); Likely pathogenic (1). Last evaluated 2025-06-12.

Conditions:
Usher syndrome type 2C. Also called: Usher syndrome, type 2B; USHER SYNDROME, TYPE IIC. Identifiers: Orphanet 231178, Orphanet 886, MedGen C2931213, MONDO:0011558, OMIM 605472.

Allele frequency attached by ClinVar (database versions not stated): gnomAD exomes below 0.00001.
gnomAD v4.1: 1 of 1,613,912 alleles (0.000062%); highest among the groups gnomAD compares: Admixed American, 0.0017%; no homozygotes.

Submissions (3):

3billion
Classification: Pathogenic for Usher syndrome type 2C. Last evaluated: 2025-06-12. Review status: criteria provided, single submitter. Criteria: ACMG Guidelines, 2015. Collection method: clinical testing. Allele origin: germline. Affected: yes.
Comment: The variant is observed at an extremely low frequency in the gnomAD v4.1.0 dataset (total allele frequency: <0.001%). Predicted Consequence/Location: Stop-gained (nonsense): predicted to result in a loss or disruption of normal protein function through nonsense-mediated decay (NMD) or protein truncation. Multiple pathogenic variants are reported downstream of the variant. The variant has been reported at least twice as pathogenic with clinical assertions and evidence for the classification (ClinVar ID: VCV003002657). Therefore, this variant is classified as Pathogenic according to the recommendation of ACMG/AMP guideline.

GeneDx
Classification: Likely pathogenic. Last evaluated: 2024-05-07. Review status: criteria provided, single submitter. Criteria: GeneDx Variant Classification Process June 2021. Collection method: clinical testing. Allele origin: germline. Affected: yes.
Comment: Reported in association with inherited retinal diseases in published literature (PMID: 31964843); clinical and molecular information are limited; Nonsense variant predicted to result in protein truncation or nonsense mediated decay in a gene for which loss of function is a known mechanism of disease; Not observed at significant frequency in large population cohorts (gnomAD); This variant is associated with the following publications: (PMID: 31964843)

Labcorp Genetics (formerly Invitae), Labcorp
Classification: Pathogenic. Last evaluated: 2023-02-21. Review status: criteria provided, single submitter. Criteria: Invitae Variant Classification Sherloc (09022015). Collection method: clinical testing. Allele origin: germline.
Comment: For these reasons, this variant has been classified as Pathogenic. This variant has not been reported in the literature in individuals affected with ADGRV1-related conditions. This variant is present in population databases (no rsID available, gnomAD 0.006%). This sequence change creates a premature translational stop signal (p.Trp1285*) in the ADGRV1 gene. It is expected to result in an absent or disrupted protein product. Loss-of-function variants in ADGRV1 are known to be pathogenic (PMID: 19357117, 22135276, 22147658, 26226137, 30718709, 31047384, 32467589).

Literature cited by the submitters: PubMed 19357117 (cited by Labcorp Genetics (formerly Invitae), Labcorp); PubMed 22135276 (cited by Labcorp Genetics (formerly Invitae), Labcorp); PubMed 22147658 (cited by Labcorp Genetics (formerly Invitae), Labcorp); PubMed 26226137 (cited by Labcorp Genetics (formerly Invitae), Labcorp); PubMed 30718709 (cited by Labcorp Genetics (formerly Invitae), Labcorp); PubMed 31047384 (cited by Labcorp Genetics (formerly Invitae), Labcorp); PubMed 32467589 (cited by Labcorp Genetics (formerly Invitae), Labcorp).